The following is an entry in ClinVar:

NM_001128178.3(NPHP1):c.1708G>A (p.Ala570Thr)

Gene: NPHP1 (nephrocystin 1; minus strand). Cytogenetic location: 2q13.
Variant type: single nucleotide variant.
Coding change: c.1708G>A on transcript NM_001128178.3 (MANE Select); coding-DNA position 1708, G replaced by A.
Protein change: p.Ala570Thr; replaces alanine 570 with threonine.
Molecular consequence: missense variant.
Genome position (GRCh38, 1-based): chr2:110,129,194, C>T on the plus strand (G>A on the coding strand, the complement: NPHP1 is on the minus strand). VCF-style: chr2-110129194-C-T. GRCh37 (hg19) VCF-style: chr2-110886771-C-T.
Other names: c.1876G>A, p.Ala626Thr (NM_000272.5); c.1519G>A, p.Ala507Thr (NM_001128179.3); c.1705G>A, p.Ala569Thr (NM_001374256.1); c.1708G>A, p.Ala570Thr (NM_001374257.1); c.1873G>A, p.Ala625Thr (NM_207181.4); short protein forms A570T, A625T, A626T, A507T, A569T.
Identifiers: ClinVar variation 1032959 (VCV001032959.2), dbSNP rs372893275, ClinGen allele CA53523768.

ClinVar aggregate classification (germline): Uncertain significance. Review status: criteria provided, multiple submitters, no conflicts (2 of 4 stars). 2 submissions from 2 submitters: Uncertain significance (2). Last evaluated 2022-04-27.

Conditions:
Senior-Loken syndrome 1 (SLSN1). Also called: JUVENILE NEPHRONOPHTHISIS WITH LEBER AMAUROSIS. Identifiers: Orphanet 3156, MedGen C4551559, MONDO:0009962, OMIM 266900.
Joubert syndrome with renal defect. Also called: JOUBERT SYNDROME 4. Identifiers: Orphanet 220497, MedGen C1846790, MONDO:0012308, OMIM 609583.
Nephronophthisis 1 (NPHP1). Also called: Nephronophthisis familial juvenile. Identifiers: Orphanet 655, Orphanet 93592, MedGen C1855681, MONDO:0009728, OMIM 256100.

Allele frequency attached by ClinVar (database versions not stated): TOPMed below 0.00001; gnomAD exomes 0.00001; ESP Exome Variant Server 0.00008.
gnomAD v4.1: 9 of 1,612,378 alleles (0.00056%); highest among the groups gnomAD compares: Non-Finnish European, 0.00076%; no homozygotes.

Submissions (2):

Fulgent Genetics
Classification: Uncertain significance for Nephronophthisis 1; Senior-Loken syndrome 1; Joubert syndrome with renal defect. Last evaluated: 2022-04-27. Review status: criteria provided, single submitter. Criteria: ACMG Guidelines, 2015. Collection method: clinical testing. Allele origin: unknown.

Baylor Genetics
Classification: Uncertain significance for Joubert syndrome with renal defect. Last evaluated: 2018-05-11. Review status: criteria provided, single submitter. Criteria: ACMG Guidelines, 2015. Collection method: clinical testing. Allele origin: unknown. Affected: yes.
Comment: This variant was determined to be of uncertain significance according to ACMG Guidelines, 2015 [PMID:25741868].